The following is an entry in ClinVar:

NM_000256.3(MYBPC3):c.1383G>C (p.Glu461Asp)

Gene: MYBPC3 (myosin binding protein C3; minus strand). Cytogenetic location: 11p11.2.
Variant type: single nucleotide variant.
Coding change: c.1383G>C on transcript NM_000256.3 (MANE Select); coding-DNA position 1383, G replaced by C.
Protein change: p.Glu461Asp; replaces glutamic acid 461 with aspartic acid.
Molecular consequence: missense variant.
Genome position (GRCh38, 1-based): chr11:47,342,904, C>G on the plus strand (G>C on the coding strand, the complement: MYBPC3 is on the minus strand). VCF-style: chr11-47342904-C-G. GRCh37 (hg19) VCF-style: chr11-47364455-C-G.
Other names: short protein forms E461D.
Identifiers: ClinVar variation 1332295 (VCV001332295.4), dbSNP rs1486640299, ClinGen allele CA380326225.

ClinVar aggregate classification (germline): Uncertain significance. Review status: criteria provided, multiple submitters, no conflicts (2 of 4 stars). 2 submissions from 2 submitters: Uncertain significance (2). Last evaluated 2024-09-23.

Conditions:
Cardiomyopathy (CMYO). Also called: Cardiomyopathies. Identifiers: Orphanet 167848, MedGen C0878544, MONDO:0004994, HP:0001638. Inheritance: Various modes of inheritance.
Hypertrophic cardiomyopathy. Also called: HYPERTROPHIC MYOCARDIOPATHY. Identifiers: Orphanet 217569, MedGen C0007194, MeSH D002312, MONDO:0005045, HP:0001639.

Submissions (2):

All of Us Research Program, National Institutes of Health
Classification: Uncertain significance for Hypertrophic cardiomyopathy. Last evaluated: 2024-09-23. Review status: criteria provided, single submitter. Criteria: ACMG Guidelines, 2015. Collection method: clinical testing. Allele origin: germline. Inheritance: Autosomal dominant inheritance. Observed: 1 variant allele, 1 heterozygote.
Comment: This missense variant replaces glutamic acid with aspartic acid at codon 461 of the MYBPC3 protein. Computational prediction suggests that this variant may not impact protein structure and function (internally defined REVEL score threshold <= 0.5, PMID: 27666373). To our knowledge, functional studies have not been reported for this variant. This variant has not been reported in individuals affected with cardiovascular disorders in the literature. This variant has not been identified in the general population by the Genome Aggregation Database (gnomAD). The available evidence is insufficient to determine the role of this variant in disease conclusively. Therefore, this variant is classified as a Variant of Uncertain Significance.

This study involves interpretation of variants in research participants for the purpose of population health screening. Participant phenotype was not available at the time of variant classification. Additional details can be found in publication PMID: 35346344, PMCID: PMC8962531

Color Diagnostics, LLC DBA Color Health
Classification: Uncertain significance for Cardiomyopathy. Last evaluated: 2024-03-06. Review status: criteria provided, single submitter. Criteria: ACMG Guidelines, 2015. Collection method: clinical testing. Allele origin: germline.
Comment: This missense variant replaces glutamic acid with aspartic acid at codon 461 of the MYBPC3 protein. Computational prediction suggests that this variant may not impact protein structure and function (internally defined REVEL score threshold <= 0.5, PMID: 27666373). To our knowledge, functional studies have not been reported for this variant. This variant has not been reported in individuals affected with cardiovascular disorders in the literature. This variant has not been identified in the general population by the Genome Aggregation Database (gnomAD). The available evidence is insufficient to determine the role of this variant in disease conclusively. Therefore, this variant is classified as a Variant of Uncertain Significance.